The following is an entry in ClinVar:

ClinVar aggregate classification (germline): Pathogenic. Review status: reviewed by expert panel (3 of 4 stars). 3 submissions from 2 submitters: Pathogenic (1). 2 of the submissions do not count toward it. Last evaluated 2023-04-06.

Conditions:
Platelet-type bleeding disorder 16 (BDPLT16). Also called: Bleeding disorder, platelet-type, 16, autosomal dominant. Identifiers: Orphanet 140957, MedGen C5442010, MONDO:0008552, OMIM 187800.
Glanzmann thrombasthenia. Also called: BLEEDING DISORDER, PLATELET-TYPE, 2; THROMBASTHENIA OF GLANZMANN AND NAEGELI; Thrombasthenia; Glanzmann's thrombasthenia; PLATELET GLYCOPROTEIN IIb-IIIa DEFICIENCY. Identifiers: Orphanet 849, MedGen C0040015, MONDO:0100326.
Prolonged bleeding time. Identifiers: MedGen C0151529, HP:0003010.
Abnormal bleeding. Also called: Bleeding diathesis. Identifiers: MedGen C1458140, HP:0001892.

Allele frequency attached by ClinVar (database versions not stated): gnomAD exomes below 0.00001.

Submissions (3):

ClinGen Platelet Disorders Variant Curation Expert Panel, ClinGen
Classification: Pathogenic for Glanzmann thrombasthenia. Last evaluated: 2023-04-06. Review status: reviewed by expert panel. Criteria: ClinGen Platelet ACMG Specifications v2-1. Collection method: curation. Allele origin: germline. Inheritance: Autosomal recessive inheritance.
Comment: The c.1699C>T (p.Gln567Ter) variant in exon 11 is a nonsense variant predicted to cause a premature stop codon in biologically-relevant-exon 11/15 and is predicted to lead to nonsense mediated decay in a gene in which loss-of-function is an established disease mechanism (PVS1). At least one patient (Glanzmann Patient, "HEMOSTAZA SKOZI KLINIČNE PRIMERE", August 2022) with this variant displayed mucocutaneous bleeding and impaired aggregation with all agonists except ristocetin, which is highly specific for Glanzmann thrombasthenia. Additionally, αIIbβ3 surface expression was reduced to 0% (<25%), as measured by flow cytometry (PP4_moderate). This variant is absent from gnomAD v2.1.1 (PM2_Supporting). In summary, this variant meets the criteria to be classified as Pathogenic for autosomal recessive Glanzmann Thrombasthenia based on the ACMG/AMP criteria applied, as specified by the ClinGen PD VCEP: PVS1, PP4_Moderate and PM2_Supporting (VCEP specifications version 2).

Centre for Mendelian Genomics, University Medical Centre Ljubljana
Classification: Likely pathogenic for Platelet-type bleeding disorder 16. Last evaluated: 2016-01-01. Review status: criteria provided, single submitter. Criteria: ACMG Guidelines, 2015. Collection method: clinical testing. Allele origin: unknown. Affected: yes. Not counted in ClinVar's aggregate classification.
Comment: This variant was classified as: Likely pathogenic.

Centre for Mendelian Genomics, University Medical Centre Ljubljana
Classification: Likely pathogenic for Abnormal bleeding; Prolonged bleeding time. Last evaluated: 2015-11-06. Review status: criteria provided, single submitter. Criteria: ACMG Guidelines, 2015. Collection method: clinical testing. Allele origin: unknown. Affected: yes. Not counted in ClinVar's aggregate classification.

NM_000212.3(ITGB3):c.1699C>T (p.Gln567Ter)

Gene: ITGB3 (integrin subunit beta 3; plus strand). Cytogenetic location: 17q21.32.
Variant type: single nucleotide variant.
Coding change: c.1699C>T on transcript NM_000212.3 (MANE Select); coding-DNA position 1699, C replaced by T.
Protein change: p.Gln567Ter; replaces glutamine 567 with a stop codon.
Molecular consequence: nonsense.
Genome position (GRCh38, 1-based): chr17:47,299,316, C>T. VCF-style: chr17-47299316-C-T. GRCh37 (hg19) VCF-style: chr17-45376682-C-T.
Other names: NM_000212.3(ITGB3):c.1699C>T; p.Gln567Ter; short protein forms Q567*.
Identifiers: ClinVar variation 374015 (VCV000374015.6), dbSNP rs1057518837, ClinGen allele CA16043531.